The following is an entry in ClinVar:

ClinVar aggregate classification (germline): Uncertain significance (1 of 4 stars; one submission).

Allele frequency attached by ClinVar (database versions not stated): gnomAD exomes 0.00001.
gnomAD v4.1: 3 of 1,605,228 alleles (0.00019%); highest among the groups gnomAD compares: East Asian, 0.0067%; no homozygotes.

Submission:

Labcorp Genetics (formerly Invitae), Labcorp
Classification: Uncertain significance. Last evaluated: 2024-12-16. Review status: criteria provided, single submitter. Criteria: Invitae Variant Classification Sherloc (09022015). Collection method: clinical testing. Allele origin: germline.
Comment: This sequence change replaces glycine, which is neutral and non-polar, with aspartic acid, which is acidic and polar, at codon 411 of the CARMIL2 protein (p.Gly411Asp). This variant is present in population databases (no rsID available, gnomAD 0.02%). This variant has not been reported in the literature in individuals affected with CARMIL2-related conditions. ClinVar contains an entry for this variant (Variation ID: 1368397). An algorithm developed to predict the effect of missense changes on protein structure and function outputs the following: PolyPhen-2: "Benign". The aspartic acid amino acid residue is found in multiple mammalian species, which suggests that this missense change does not adversely affect protein function. In summary, the available evidence is currently insufficient to determine the role of this variant in disease. Therefore, it has been classified as a Variant of Uncertain Significance.

NM_001013838.3(CARMIL2):c.1232G>A (p.Gly411Asp)

Gene: CARMIL2 (capping protein regulator and myosin 1 linker 2; plus strand). Cytogenetic location: 16q22.1.
Variant type: single nucleotide variant.
Coding change: c.1232G>A on transcript NM_001013838.3 (MANE Select); coding-DNA position 1232, G replaced by A.
Protein change: p.Gly411Asp; replaces glycine 411 with aspartic acid.
Molecular consequence: missense variant. On other transcripts: intron variant (1).
Genome position (GRCh38, 1-based): chr16:67,648,212, G>A. VCF-style: chr16-67648212-G-A. GRCh37 (hg19) VCF-style: chr16-67682115-G-A.
Other names: c.1150-26G>A (NM_001317026.3); short protein forms G411D.
Identifiers: ClinVar variation 1368397 (VCV001368397.7), dbSNP rs1442992801, ClinGen allele CA396335572.